The following is an entry in ClinVar:

NM_001330260.2(SCN8A):c.2371-17T>G

Gene: SCN8A (sodium voltage-gated channel alpha subunit 8; plus strand). Cytogenetic location: 12q13.13.
Variant type: single nucleotide variant.
Coding change: c.2371-17T>G on transcript NM_001330260.2 (MANE Select); 17 bases into the intron before coding-DNA position 2371, T replaced by G.
Molecular consequence: intron variant.
Genome position (GRCh38, 1-based): chr12:51,762,486, T>G. VCF-style: chr12-51762486-T-G. GRCh37 (hg19) VCF-style: chr12-52156270-T-G.
Other names: c.2371-17T>G (NM_014191.4, NM_001177984.3, NM_001369788.1).
Identifiers: ClinVar variation 514996 (VCV000514996.1), dbSNP rs1193837480, ClinGen allele CA658797914.

ClinVar aggregate classification (germline): Likely benign (1 of 4 stars; one submission).

gnomAD v4.1: 1 of 1,610,942 alleles (0.000062%); highest among the groups gnomAD compares: African/African-American, 0.0013%; no homozygotes.

Submission:

GeneDx
Classification: Likely benign. Last evaluated: 2018-01-30. Review status: criteria provided, single submitter. Criteria: GeneDx Variant Classification (06012015). Collection method: clinical testing. Allele origin: germline. Affected: yes.
Comment: This variant is considered likely benign or benign based on one or more of the following criteria: it is a conservative change, it occurs at a poorly conserved position in the protein, it is predicted to be benign by multiple in silico algorithms, and/or has population frequency not consistent with disease.